The following is an entry in ClinVar:

NM_004656.4(BAP1):c.2054A>C (p.Glu685Ala)

Gene: BAP1 (BRCA1 associated deubiquitinase 1; minus strand). Cytogenetic location: 3p21.1.
Variant type: single nucleotide variant.
Coding change: c.2054A>C on transcript NM_004656.4 (MANE Select); coding-DNA position 2054, A replaced by C.
Protein change: p.Glu685Ala; replaces glutamic acid 685 with alanine.
Molecular consequence: missense variant.
Genome position (GRCh38, 1-based): chr3:52,402,604, T>G on the plus strand (A>C on the coding strand, the complement: BAP1 is on the minus strand). VCF-style: chr3-52402604-T-G. GRCh37 (hg19) VCF-style: chr3-52436620-T-G.
Other names: c.2000A>C, p.Glu667Ala (NM_001410772.1); short protein forms E667A, E685A.
Identifiers: ClinVar variation 4194758 (VCV004194758.1).

ClinVar aggregate classification (germline): Uncertain significance (1 of 4 stars; one submission).

Conditions:
Hereditary cancer-predisposing syndrome. Also called: Neoplastic Syndromes, Hereditary; Tumor predisposition; Hereditary Cancer Syndrome; Hereditary neoplastic syndrome. Identifiers: Orphanet 140162, MedGen C0027672, MeSH D009386, MONDO:0015356.

Submission:

Ambry Genetics
Classification: Uncertain significance for Hereditary cancer-predisposing syndrome. Last evaluated: 2025-08-21. Review status: criteria provided, single submitter. Criteria: Ambry Variant Classification Scheme 2023. Collection method: clinical testing. Allele origin: germline.
Comment: The p.E685A variant (also known as c.2054A>C), located in coding exon 16 of the BAP1 gene, results from an A to C substitution at nucleotide position 2054. The glutamic acid at codon 685 is replaced by alanine, an amino acid with dissimilar properties. This amino acid position is conserved. In addition, this alteration is predicted to be tolerated by in silico analysis. Based on the available evidence, the clinical significance of this variant remains unclear.